The following is an entry in ClinVar:

NM_000517.6(HBA2):c.114del (p.Thr39fs)

Genes: HBA2 (hemoglobin subunit alpha 2; plus strand), LOC106804612 (hemoglobin subunit alpha 2 recombination region; plus strand). Cytogenetic location: 16p13.3.
Variant type: Deletion.
Coding change: c.114del on transcript NM_000517.6 (MANE Select); coding-DNA position 114, one base deleted (C; older notation c.114delC).
Protein change: p.Thr39fs; shifts the reading frame from threonine 39.
Molecular consequence: frameshift variant.
Genome position (GRCh38, 1-based): chr16:173,143, C deleted; the last of 4 consecutive C bases (chr16:173,140-173,143); deleting any one gives the same sequence. VCF-style (leftmost placement, unchanged base first): chr16-173139-TC-T. GRCh37 (hg19) VCF-style: chr16-223138-TC-T.
Other names: short protein forms T39fs.
Identifiers: ClinVar variation 4818614 (VCV004818614.1).
Genomic context (GRCh38, chr16:173,139, plus strand): 5'-TGGCCCCGGACCCAAACCCCACCCCTCACTCTGCTTCTCCCCGCAGGATGTTCCTGTCCT[TC>T]CCCACCACCAAGACCTACTTCCCGCACTTCGACCTGAGCCACGGCTCTGCCCAGGTTAAG-3'

ClinVar aggregate classification (germline): Likely pathogenic (1 of 4 stars; one submission).

Conditions:
alpha Thalassemia. Also called: Alpha thalassemia spectrum. Identifiers: Orphanet 846, MedGen C0002312, MONDO:0011399, OMIM 604131.

Submission:

Natera, Inc.
Classification: Likely pathogenic for Alpha thalassemia. Last evaluated: 2025-07-20. Review status: criteria provided, single submitter. Criteria: Natera Variant Classification Schema (03/2026). Collection method: clinical testing. Allele origin: germline.
Comment: The c.114delC variant in HBA2 is a frameshift variant predicted to shift the reading frame beginning at codon 39 and leads to a stop codon 11 codons downstream. This variant is expected to result in nonsense mediated decay, truncation, or a dysfunctional protein product. This variant is rare in the general population with a frequency below the threshold expected for the associated phenotype(s). Given the available evidence, this variant is classified as Likely Pathogenic.